The following is an entry in ClinVar:

ClinVar aggregate classification (germline): Uncertain significance (1 of 4 stars; one submission).

Submission:

GeneDx
Classification: Uncertain significance. Last evaluated: 2024-06-16. Review status: criteria provided, single submitter. Criteria: GeneDx Variant Classification Process June 2021. Collection method: clinical testing. Allele origin: germline. Affected: yes.
Comment: Not observed at significant frequency in large population cohorts (gnomAD); In silico analysis indicates that this missense variant does not alter protein structure/function; Has not been previously published as pathogenic or benign to our knowledge

NM_001270.4(CHD1):c.1505G>T (p.Cys502Phe)

Gene: CHD1 (chromodomain helicase DNA binding protein 1; minus strand). Cytogenetic location: 5q15.
Variant type: single nucleotide variant.
Coding change: c.1505G>T on transcript NM_001270.4 (MANE Select); coding-DNA position 1505, G replaced by T.
Protein change: p.Cys502Phe; replaces cysteine 502 with phenylalanine.
Molecular consequence: missense variant. On other transcripts: non-coding transcript variant (2).
Genome position (GRCh38, 1-based): chr5:98,896,431, C>A on the plus strand (G>T on the coding strand, the complement: CHD1 is on the minus strand). VCF-style: chr5-98896431-C-A. GRCh37 (hg19) VCF-style: chr5-98232135-C-A.
Other names: c.1505G>T, p.Cys502Phe (NM_001364113.3, NM_001376194.2); short protein forms C502F.
Identifiers: ClinVar variation 3390585 (VCV003390585.1).
Genomic context (GRCh38, chr5:98,896,431, plus strand): 5'-TAATTCAGAAATGAGATCGTCTGTATTGTTTTTCCAAGGCCCATTTCATCAGCGAGTATG[C>A]AACTATTTCCTCTACAAAGTTAAAAAAAAATTAGCATGCAAGGAAATATTCAAATATACA-3'
Protein context (NP_001261.2, residues 492-512): LAHSWCKGNS[Cys502Phe]ILADEMGLGK